The following is an entry in ClinVar:

NM_001046.3(SLC12A2):c.2792T>C (p.Leu931Pro)

Gene: SLC12A2 (solute carrier family 12 member 2; plus strand). Cytogenetic location: 5q23.3.
Variant type: single nucleotide variant.
Coding change: c.2792T>C on transcript NM_001046.3 (MANE Select); coding-DNA position 2792, T replaced by C.
Protein change: p.Leu931Pro; replaces leucine 931 with proline.
Molecular consequence: missense variant. On other transcripts: non-coding transcript variant (1).
Genome position (GRCh38, 1-based): chr5:128,171,735, T>C. VCF-style: chr5-128171735-T-C. GRCh37 (hg19) VCF-style: chr5-127507427-T-C.
Other names: c.2792T>C, p.Leu931Pro (NM_001256461.2); short protein forms L931P.
Identifiers: ClinVar variation 2015547 (VCV002015547.4), dbSNP rs2479466962, ClinGen allele CA360737331.

ClinVar aggregate classification (germline): Uncertain significance (1 of 4 stars; one submission).

Submission:

Labcorp Genetics (formerly Invitae), Labcorp
Classification: Uncertain significance. Last evaluated: 2024-01-24. Review status: criteria provided, single submitter. Criteria: Invitae Variant Classification Sherloc (09022015). Collection method: clinical testing. Allele origin: germline.
Comment: This sequence change replaces leucine, which is neutral and non-polar, with proline, which is neutral and non-polar, at codon 931 of the SLC12A2 protein (p.Leu931Pro). This variant is not present in population databases (gnomAD no frequency). This variant has not been reported in the literature in individuals affected with SLC12A2-related conditions. ClinVar contains an entry for this variant (Variation ID: 2015547). Advanced modeling of protein sequence and biophysical properties (such as structural, functional, and spatial information, amino acid conservation, physicochemical variation, residue mobility, and thermodynamic stability) performed at Invitae indicates that this missense variant is not expected to disrupt SLC12A2 protein function with a negative predictive value of 80%. In summary, the available evidence is currently insufficient to determine the role of this variant in disease. Therefore, it has been classified as a Variant of Uncertain Significance.